The following is an entry in ClinVar:

NM_018230.3(NUP133):c.102G>T (p.Arg34Ser)

Genes: NUP133 (nucleoporin 133; minus strand), LOC129932732 (ATAC-STARR-seq lymphoblastoid silent region 1931; plus strand). Cytogenetic location: 1q42.13.
Variant type: single nucleotide variant.
Coding change: c.102G>T on transcript NM_018230.3 (MANE Select); coding-DNA position 102, G replaced by T.
Protein change: p.Arg34Ser; replaces arginine 34 with serine.
Molecular consequence: missense variant.
Genome position (GRCh38, 1-based): chr1:229,508,148, C>A on the plus strand (G>T on the coding strand, the complement: NUP133 is on the minus strand). VCF-style: chr1-229508148-C-A. GRCh37 (hg19) VCF-style: chr1-229643895-C-A.
Other names: short protein forms R34S.
Identifiers: ClinVar variation 2793361 (VCV002793361.3), dbSNP rs751157872, ClinGen allele CA345166021.

ClinVar aggregate classification (germline): Uncertain significance (1 of 4 stars; one submission).

Submission:

Labcorp Genetics (formerly Invitae), Labcorp
Classification: Uncertain significance. Last evaluated: 2023-03-25. Review status: criteria provided, single submitter. Criteria: Invitae Variant Classification Sherloc (09022015). Collection method: clinical testing. Allele origin: germline.
Comment: In summary, the available evidence is currently insufficient to determine the role of this variant in disease. Therefore, it has been classified as a Variant of Uncertain Significance. An algorithm developed to predict the effect of missense changes on protein structure and function (PolyPhen-2) suggests that this variant is likely to be disruptive. This variant has not been reported in the literature in individuals affected with NUP133-related conditions. This variant is not present in population databases (gnomAD no frequency). This sequence change replaces arginine, which is basic and polar, with serine, which is neutral and polar, at codon 34 of the NUP133 protein (p.Arg34Ser).